The following is an entry in ClinVar:

ClinVar aggregate classification (germline): Uncertain significance (1 of 4 stars; one submission).

Conditions:
3-methylcrotonyl-CoA carboxylase 1 deficiency (MCC1D). Also called: MCC 1 deficiency; 3 Alpha methylcrotonylglycinuria 1; MCCD TYPE 1; METHYLCROTONYLGLYCINURIA TYPE I. Identifiers: Orphanet 6, MedGen CN028786, MONDO:0008861, OMIM 210200.

Allele frequency attached by ClinVar (database versions not stated): TOPMed below 0.00001; gnomAD 0.00001.
gnomAD v4.1: 1 of 1,614,076 alleles (0.000062%); highest among the groups gnomAD compares: Non-Finnish European, 0.000085%; no homozygotes.

Submission:

Labcorp Genetics (formerly Invitae), Labcorp
Classification: Uncertain significance for 3-methylcrotonyl-CoA carboxylase 1 deficiency. Last evaluated: 2022-01-15. Review status: criteria provided, single submitter. Criteria: Invitae Variant Classification Sherloc (09022015). Collection method: clinical testing. Allele origin: germline.
Comment: This sequence change replaces methionine, which is neutral and non-polar, with isoleucine, which is neutral and non-polar, at codon 39 of the MCCC1 protein (p.Met39Ile). This variant is not present in population databases (gnomAD no frequency). This variant has not been reported in the literature in individuals affected with MCCC1-related conditions. Algorithms developed to predict the effect of missense changes on protein structure and function (SIFT, PolyPhen-2, Align-GVGD) all suggest that this variant is likely to be tolerated. In summary, the available evidence is currently insufficient to determine the role of this variant in disease. Therefore, it has been classified as a Variant of Uncertain Significance.

NM_020166.5(MCCC1):c.117G>A (p.Met39Ile)

Gene: MCCC1 (methylcrotonyl-CoA carboxylase subunit 1; minus strand). Cytogenetic location: 3q27.1.
Variant type: single nucleotide variant.
Coding change: c.117G>A on transcript NM_020166.5 (MANE Select); coding-DNA position 117, G replaced by A.
Protein change: p.Met39Ile; replaces methionine 39 with isoleucine.
Molecular consequence: missense variant. On other transcripts: 5 prime UTR variant (1), non-coding transcript variant (2).
Genome position (GRCh38, 1-based): chr3:183,094,578, C>T on the plus strand (G>A on the coding strand, the complement: MCCC1 is on the minus strand). VCF-style: chr3-183094578-C-T. GRCh37 (hg19) VCF-style: chr3-182812366-C-T.
Other names: c.25G>A, p.Glu9Lys (NM_001293273.2); c.-74G>A (NM_001363880.1); short protein forms E9K, M39I.
Identifiers: ClinVar variation 2084448 (VCV002084448.1), dbSNP rs1718606011, ClinGen allele CA355322502.